The following is an entry in ClinVar:

NM_020937.4(FANCM):c.6020A>G (p.Glu2007Gly)

Gene: FANCM (FA complementation group M; plus strand). Cytogenetic location: 14q21.2.
Variant type: single nucleotide variant.
Coding change: c.6020A>G on transcript NM_020937.4 (MANE Select); coding-DNA position 6020, A replaced by G.
Protein change: p.Glu2007Gly; replaces glutamic acid 2007 with glycine.
Molecular consequence: missense variant.
Genome position (GRCh38, 1-based): chr14:45,199,881, A>G. VCF-style: chr14-45199881-A-G. GRCh37 (hg19) VCF-style: chr14-45669084-A-G.
Other names: c.5942A>G, p.Glu1981Gly (NM_001308133.2); short protein forms E2007G, E1981G.
Identifiers: ClinVar variation 955084 (VCV000955084.7), dbSNP rs1350057442, ClinGen allele CA389587984.

ClinVar aggregate classification (germline): Uncertain significance (1 of 4 stars; one submission).

Conditions:
Fanconi anemia (FA). Also called: Fanconi's anemia. Identifiers: Orphanet 84, MedGen C0015625, MeSH D005199, MONDO:0019391.

Allele frequency attached by ClinVar (database versions not stated): gnomAD 0.00001; TOPMed below 0.00001.
gnomAD v4.1: 1 of 1,612,258 alleles (0.000062%); highest among the groups gnomAD compares: Non-Finnish European, 0.000085%; no homozygotes.

Submission:

Labcorp Genetics (formerly Invitae), Labcorp
Classification: Uncertain significance for Fanconi anemia. Last evaluated: 2021-08-27. Review status: criteria provided, single submitter. Criteria: Invitae Variant Classification Sherloc (09022015). Collection method: clinical testing. Allele origin: germline.
Comment: This sequence change replaces glutamic acid with glycine at codon 2007 of the FANCM protein (p.Glu2007Gly). The glutamic acid residue is weakly conserved and there is a moderate physicochemical difference between glutamic acid and glycine. This variant is not present in population databases (ExAC no frequency). This variant has not been reported in the literature in individuals affected with FANCM-related conditions. Algorithms developed to predict the effect of missense changes on protein structure and function are either unavailable or do not agree on the potential impact of this missense change (SIFT: "Tolerated"; PolyPhen-2: "Probably Damaging"; Align-GVGD: "Class C0"). In summary, the available evidence is currently insufficient to determine the role of this variant in disease. Therefore, it has been classified as a Variant of Uncertain Significance.